The following is an entry in ClinVar:

NM_003742.4(ABCB11):c.2319dup (p.Phe774fs)

Gene: ABCB11 (ATP binding cassette subfamily B member 11; minus strand). Cytogenetic location: 2q31.1.
Variant type: Duplication.
Coding change: c.2319dup on transcript NM_003742.4 (MANE Select); coding-DNA position 2319, one base duplicated (C; older notation c.2319dupC).
Protein change: p.Phe774fs; shifts the reading frame from phenylalanine 774.
Molecular consequence: frameshift variant.
Genome position (GRCh38, 1-based): chr2:168,957,988, G duplicated on the plus strand (C on the coding strand, the reverse complement: ABCB11 is on the minus strand); the first of 2 consecutive G bases (chr2:168,957,988-168,957,989); duplicating either gives the same sequence. VCF-style (leftmost placement, unchanged base first): chr2-168957987-A-AG. GRCh37 (hg19) VCF-style: chr2-169814497-A-AG.
Other names: c.2319dupC (NM_003742.2); short protein forms F774fs.
Identifiers: ClinVar variation 1070201 (VCV001070201.12), dbSNP rs1692870573, ClinGen allele CA1306219244.

ClinVar aggregate classification (germline): Pathogenic/Likely pathogenic. Review status: criteria provided, multiple submitters, no conflicts (2 of 4 stars). 5 submissions from 5 submitters: Pathogenic (3); Likely pathogenic (1). 1 of the submissions does not count toward it. Last evaluated 2026-04-14.

Conditions:
Progressive familial intrahepatic cholestasis type 2. Identifiers: Orphanet 79304, MedGen C3489789, MONDO:0011156, OMIM 601847.
Benign recurrent intrahepatic cholestasis type 2 (BRIC2). Also called: Recurrent familial intrahepatic cholestasis 2. Identifiers: Orphanet 65682, Orphanet 99961, MedGen C2608083, MONDO:0011559, OMIM 605479.
ABCB11-related disorder. Also called: ABCB11-related condition.
Familial intrahepatic cholestasis. Identifiers: Orphanet 284385, MedGen CN296401, MONDO:0017290.

Submissions (5):

Genomenon, Inc
Classification: Pathogenic for Familial intrahepatic cholestasis. Last evaluated: 2026-04-14. Review status: criteria provided, single submitter. Criteria: Genomenon Sequence Variant Interpretation Standards - Updated. Collection method: curation. Allele origin: germline. Affected: yes.
Comment: ABCB11 p.Phe774LeufsTer14 (c.2319dup) is a frameshift variant that results in the production of a truncated protein which is predicted to undergo nonsense-mediated mRNA decay. This variant has been observed in at least one proband with an ABCB11-related disorder (PMID:34016879). It is absent or not present at a significant frequency in gnomAD. In conclusion, we classify ABCB11 p.Phe774LeufsTer14 (c.2319dup) as a pathogenic variant.

Labcorp Genetics (formerly Invitae), Labcorp
Classification: Pathogenic. Last evaluated: 2024-01-21. Review status: criteria provided, single submitter. Criteria: Invitae Variant Classification Sherloc (09022015). Collection method: clinical testing. Allele origin: germline.
Comment: This sequence change creates a premature translational stop signal (p.Phe774Leufs*14) in the ABCB11 gene. It is expected to result in an absent or disrupted protein product. Loss-of-function variants in ABCB11 are known to be pathogenic (PMID: 18395098, 20232290). This variant is not present in population databases (gnomAD no frequency). This premature translational stop signal has been observed in individual(s) with cholestasis (PMID: 34016879). ClinVar contains an entry for this variant (Variation ID: 1070201). For these reasons, this variant has been classified as Pathogenic.

Baylor Genetics
Classification: Pathogenic for Benign recurrent intrahepatic cholestasis type 2. Last evaluated: 2023-05-10. Review status: criteria provided, single submitter. Criteria: ACMG Guidelines, 2015. Collection method: clinical testing. Allele origin: unknown.

Fulgent Genetics
Classification: Likely pathogenic for Progressive familial intrahepatic cholestasis type 2; Benign recurrent intrahepatic cholestasis type 2. Last evaluated: 2022-01-28. Review status: criteria provided, single submitter. Criteria: ACMG Guidelines, 2015. Collection method: clinical testing. Allele origin: unknown.

PreventionGenetics, part of Exact Sciences
Classification: Likely pathogenic for ABCB11-related condition. Last evaluated: 2023-12-19. Review status: no assertion criteria provided. Collection method: clinical testing. Allele origin: germline. Not counted in ClinVar's aggregate classification.
Comment: The ABCB11 c.2319dupC variant is predicted to result in a frameshift and premature protein termination (p.Phe774Leufs*14). This variant was reported, along with a second presumptively causative variant, in an individual with intrahepatic cholestasis (SDC Table 3, Hertel et al 2021. PubMed ID: 34016879). This variant has not been reported in a large population database, indicating it is rare. This variant is interpreted as likely pathogenic.

Literature cited by the submitters: PubMed 34016879 (cited by Genomenon, Inc and Labcorp Genetics (formerly Invitae), Labcorp); PubMed 18395098 (cited by Labcorp Genetics (formerly Invitae), Labcorp); PubMed 20232290 (cited by Labcorp Genetics (formerly Invitae), Labcorp).